The following is an entry in ClinVar:

ClinVar aggregate classification (germline): Likely benign. Review status: criteria provided, multiple submitters, no conflicts (2 of 4 stars). 6 submissions from 6 submitters: Likely benign (5). 1 of the submissions does not count toward it. Last evaluated 2026-01-22.

Conditions:
Short-rib thoracic dysplasia 13 with or without polydactyly (SRTD13). Identifiers: Orphanet 474, MedGen C4225378, MONDO:0014577, OMIM 616300.
CEP120-related disorder. Also called: CEP120-related condition; CEP120-Related Disorders.
Inborn genetic diseases. Identifiers: MedGen C0950123, MeSH D030342.

Allele frequency attached by ClinVar (database versions not stated): gnomAD exomes 0.00023; ExAC 0.00033; 1000 Genomes Project 0.00060; 1000 Genomes Project 30x 0.00062; ESP Exome Variant Server 0.00073; gnomAD 0.00088 and 0.00096; TOPMed 0.00092.
gnomAD v4.1: 261 of 1,614,126 alleles (0.016%); highest among the groups gnomAD compares: African/African-American, 0.31%; no homozygotes.

Submissions (6):

Labcorp Genetics (formerly Invitae), Labcorp
Classification: Likely benign for Short-rib thoracic dysplasia 13 with or without polydactyly. Last evaluated: 2026-01-22. Review status: criteria provided, single submitter. Criteria: Invitae Variant Classification Sherloc (09022015). Collection method: clinical testing. Allele origin: germline.

Mayo Clinic Laboratories, Mayo Clinic
Classification: Likely benign. Last evaluated: 2025-06-19. Review status: criteria provided, single submitter. Criteria: ACMG Guidelines, 2015. Collection method: clinical testing. Allele origin: germline. Observed: 1 variant allele.
Comment: BS1, BP4_moderate

Blueprint Genetics
Classification: Likely benign. Last evaluated: 2024-11-12. Review status: criteria provided, single submitter. Criteria: ACMG Guidelines, 2015. Collection method: clinical testing. Allele origin: germline.

Ambry Genetics
Classification: Likely benign for Inborn genetic diseases. Last evaluated: 2024-05-30. Review status: criteria provided, single submitter. Criteria: Ambry Variant Classification Scheme 2023. Collection method: clinical testing. Allele origin: germline.

GeneDx
Classification: Likely benign. Last evaluated: 2020-04-27. Review status: criteria provided, single submitter. Criteria: GeneDx Variant Classification Process June 2021. Collection method: clinical testing. Allele origin: germline. Affected: yes.

PreventionGenetics, part of Exact Sciences
Classification: Likely benign for CEP120-related condition. Last evaluated: 2023-05-30. Review status: no assertion criteria provided. Collection method: clinical testing. Allele origin: germline. Not counted in ClinVar's aggregate classification.
Comment: This variant is classified as likely benign based on ACMG/AMP sequence variant interpretation guidelines (Richards et al. 2015 PMID: 25741868, with internal and published modifications).

NM_001375405.1(CEP120):c.28A>G (p.Ile10Val)

Gene: CEP120 (centrosomal protein 120; minus strand). Cytogenetic location: 5q23.2.
Variant type: single nucleotide variant.
Coding change: c.28A>G on transcript NM_001375405.1 (MANE Select); coding-DNA position 28, A replaced by G.
Protein change: p.Ile10Val; replaces isoleucine 10 with valine.
Molecular consequence: missense variant. On other transcripts: 5 prime UTR variant (2), non-coding transcript variant (1), intron variant (1).
Genome position (GRCh38, 1-based): chr5:123,422,971, T>C on the plus strand (A>G on the coding strand, the complement: CEP120 is on the minus strand). VCF-style: chr5-123422971-T-C. GRCh37 (hg19) VCF-style: chr5-122758665-T-C.
Other names: p.Ile10Val; c.28A>G, p.Ile10Val (NM_001375406.1, NM_001375407.1, NM_153223.4); c.-721A>G (NM_001375408.1); c.-663A>G (NM_001375409.1); c.-30+538A>G (NM_001166226.2); short protein forms I10V.
Identifiers: ClinVar variation 1200361 (VCV001200361.16), dbSNP rs199793672, ClinGen allele CA3387394.